The following is an entry in ClinVar:

ClinVar aggregate classification (germline): Uncertain significance (1 of 4 stars; one submission).

Conditions:
Majeed syndrome (MJDS). Also called: CHRONIC RECURRENT MULTIFOCAL OSTEOMYELITIS 1, WITH CONGENITAL DYSERYTHROPOIETIC ANEMIA, WITH OR WITHOUT NEUTROPHILIC DERMATOSIS; LPIN2-Related Majeed Syndrome. Identifiers: Orphanet 77297, MedGen C1864997, MONDO:0012316, OMIM 609628.

Submission:

Labcorp Genetics (formerly Invitae), Labcorp
Classification: Uncertain significance for Majeed syndrome. Last evaluated: 2021-09-23. Review status: criteria provided, single submitter. Criteria: Invitae Variant Classification Sherloc (09022015). Collection method: clinical testing. Allele origin: germline.
Comment: This variant, c.2639_2641del, results in the deletion of 1 amino acid(s) of the LPIN2 protein (p.Phe880del), but otherwise preserves the integrity of the reading frame. This variant is present in population databases (rs755987482, ExAC 0.003%). This variant has not been reported in the literature in individuals affected with LPIN2-related conditions. Experimental studies and prediction algorithms are not available or were not evaluated, and the functional significance of this variant is currently unknown. In summary, the available evidence is currently insufficient to determine the role of this variant in disease. Therefore, it has been classified as a Variant of Uncertain Significance.

NM_001375808.2(LPIN2):c.2639_2641del (p.Phe880del)

Gene: LPIN2 (lipin 2; minus strand). Cytogenetic location: 18p11.31.
Variant type: Deletion.
Coding change: c.2639_2641del on transcript NM_001375808.2 (MANE Select); coding-DNA positions 2639 to 2641, 3 bases deleted (TCT; older notation c.2639_2641delTCT).
Protein change: p.Phe880del; deletes phenylalanine 880.
Molecular consequence: inframe deletion.
Genome position (GRCh38, 1-based): chr18:2,920,343-2,920,345, AGA deleted on the plus strand (TCT on the coding strand, the reverse complement: LPIN2 is on the minus strand); deleting any 3 consecutive bases within chr18:2,920,343-2,920,347 gives the same sequence; the c. name uses the placement nearest the transcript's 3' end. VCF-style (leftmost placement, unchanged base first): chr18-2920342-CAGA-C. GRCh37 (hg19) VCF-style: chr18-2920340-CAGA-C.
Other names: c.2639_2641del, p.Phe880del (NM_001375809.1, NM_014646.2); short protein forms F880del.
Identifiers: ClinVar variation 1511810 (VCV001511810.3), dbSNP rs755987482, ClinGen allele CA8872647.
Genomic context (GRCh38, chr18:2,920,342, plus strand): 5'-GAGGTGCCGCCTCAAGACAGGTCATCCAGGTCCACTTCAGGGATCGGGTCTCGCCAGTAG[CAGA>C]AGGAGCTGAACTCCGGGCAGGGAAAAGCGGAATTCTGCTCCTTACTGAGAAGGGGGAACA-3'